The following is an entry in ClinVar:

NM_000528.4(MAN2B1):c.1730C>G (p.Thr577Ser)

Gene: MAN2B1 (mannosidase alpha class 2B member 1; minus strand). Cytogenetic location: 19p13.13.
Variant type: single nucleotide variant.
Coding change: c.1730C>G on transcript NM_000528.4 (MANE Select); coding-DNA position 1730, C replaced by G.
Protein change: p.Thr577Ser; replaces threonine 577 with serine.
Molecular consequence: missense variant.
Genome position (GRCh38, 1-based): chr19:12,655,794, G>C on the plus strand (C>G on the coding strand, the complement: MAN2B1 is on the minus strand). VCF-style: chr19-12655794-G-C. GRCh37 (hg19) VCF-style: chr19-12766608-G-C.
Other names: c.1727C>G, p.Thr576Ser (NM_001173498.2); short protein forms T577S, T576S.
Identifiers: ClinVar variation 1377535 (VCV001377535.5), dbSNP rs2145250460, ClinGen allele CA404244887.

ClinVar aggregate classification (germline): Uncertain significance (1 of 4 stars; one submission).

Conditions:
Deficiency of alpha-mannosidase (MANSA). Also called: Alpha-Mannosidosis; Mannosidosis, alpha-, types I and II; LYSOSOMAL ALPHA-D-MANNOSIDASE DEFICIENCY. Identifiers: Orphanet 61, MedGen C0024748, MONDO:0009561, OMIM 248500.

Submission:

Labcorp Genetics (formerly Invitae), Labcorp
Classification: Uncertain significance for Deficiency of alpha-mannosidase. Last evaluated: 2025-08-21. Review status: criteria provided, single submitter. Criteria: Invitae Variant Classification Sherloc (09022015). Collection method: clinical testing. Allele origin: germline.
Comment: This sequence change replaces threonine, which is neutral and polar, with serine, which is neutral and polar, at codon 577 of the MAN2B1 protein (p.Thr577Ser). This variant is not present in population databases (gnomAD no frequency). This variant has not been reported in the literature in individuals affected with MAN2B1-related conditions. ClinVar contains an entry for this variant (Variation ID: 1377535). Invitae Evidence Modeling of protein sequence and biophysical properties (such as structural, functional, and spatial information, amino acid conservation, physicochemical variation, residue mobility, and thermodynamic stability) indicates that this missense variant is not expected to disrupt MAN2B1 protein function with a negative predictive value of 95%. In summary, the available evidence is currently insufficient to determine the role of this variant in disease. Therefore, it has been classified as a Variant of Uncertain Significance.